The following is an entry in ClinVar:

ClinVar aggregate classification (germline): Uncertain significance. Review status: criteria provided, multiple submitters, no conflicts (2 of 4 stars). 2 submissions from 2 submitters: Uncertain significance (2). Last evaluated 2025-11-03.

Conditions:
Inborn genetic diseases. Identifiers: MedGen C0950123, MeSH D030342.

Allele frequency attached by ClinVar (database versions not stated): ExAC 0.00006; gnomAD exomes 0.00004; TOPMed 0.00006; gnomAD 0.00005.

Submissions (2):

Ambry Genetics
Classification: Uncertain significance for Inborn genetic diseases. Last evaluated: 2025-11-03. Review status: criteria provided, single submitter. Criteria: Ambry Variant Classification Scheme 2023. Collection method: clinical testing. Allele origin: germline.

Labcorp Genetics (formerly Invitae), Labcorp
Classification: Uncertain significance. Last evaluated: 2022-09-06. Review status: criteria provided, single submitter. Criteria: Invitae Variant Classification Sherloc (09022015). Collection method: clinical testing. Allele origin: germline.
Comment: This sequence change replaces threonine, which is neutral and polar, with proline, which is neutral and non-polar, at codon 192 of the TUBGCP6 protein (p.Thr192Pro). This variant is present in population databases (rs756893749, gnomAD 0.009%). This variant has not been reported in the literature in individuals affected with TUBGCP6-related conditions. ClinVar contains an entry for this variant (Variation ID: 1400731). Algorithms developed to predict the effect of missense changes on protein structure and function (SIFT, PolyPhen-2, Align-GVGD) all suggest that this variant is likely to be tolerated. In summary, the available evidence is currently insufficient to determine the role of this variant in disease. Therefore, it has been classified as a Variant of Uncertain Significance.

NM_020461.4(TUBGCP6):c.574A>C (p.Thr192Pro)

Gene: TUBGCP6 (tubulin gamma complex component 6; minus strand). Cytogenetic location: 22q13.33.
Variant type: single nucleotide variant.
Coding change: c.574A>C on transcript NM_020461.4 (MANE Select); coding-DNA position 574, A replaced by C.
Protein change: p.Thr192Pro; replaces threonine 192 with proline.
Molecular consequence: missense variant.
Genome position (GRCh38, 1-based): chr22:50,243,886, T>G on the plus strand (A>C on the coding strand, the complement: TUBGCP6 is on the minus strand). VCF-style: chr22-50243886-T-G. GRCh37 (hg19) VCF-style: chr22-50682315-T-G.
Other names: c.574A>C (NM_020461.3); short protein forms T192P.
Identifiers: ClinVar variation 1400731 (VCV001400731.7), dbSNP rs756893749, ClinGen allele CA10309027.
Genomic context (GRCh38, chr22:50,243,886, plus strand): 5'-CCCGGGTGTCTCTCTCGAACCTGTCACCACAAGGGTCACCAAATGAGAAGAGCCCGACGG[T>G]GGGCAGGCCAGTGCCTGGAGCAGCCTCCATAACCTGAAGTGTTTCCTGGATCATGCTGTG-3'
Protein context (NP_065194.3, residues 182-202): MEAAPGTGLP[Thr192Pro]VGLFSFGDPC